The following is an entry in ClinVar:

ClinVar aggregate classification (germline): Likely benign (1 of 4 stars; one submission).

Conditions:
Nestor-Guillermo progeria syndrome (NGPS). Also called: PROGERIA SYNDROME, CHILDHOOD-ONSET, WITH OSTEOLYSIS. Identifiers: Orphanet 280576, MedGen C3151446, MONDO:0013523, OMIM 614008.

Allele frequency attached by ClinVar (database versions not stated): gnomAD 0.02064 and 0.01923; 1000 Genomes Project 30x 0.02077; TOPMed 0.02178; 1000 Genomes Project 0.01877.

Submission:

Illumina Laboratory Services, Illumina
Classification: Likely benign for Nestor-Guillermo progeria syndrome. Last evaluated: 2017-04-27. Review status: criteria provided, single submitter. Criteria: ICSL Variant Classification Criteria 13 December 2019. Collection method: clinical testing. Allele origin: germline.
Comment: This variant was observed as part of a predisposition screen in an ostensibly healthy population. A literature search was performed for the gene, cDNA change, and amino acid change (where applicable). No publications were found based on this search. Allele frequency data from public databases allowed determination this variant is unlikely to cause disease. Therefore, this variant is classified as likely benign.

NM_001143985.1(BANF1):c.-254G>T

Gene: BANF1 (barrier to autointegration nuclear assembly factor 1; plus strand). Cytogenetic location: 11q13.1.
Variant type: single nucleotide variant.
Coding change: c.-254G>T on transcript NM_001143985.1; 254 bases upstream of the start codon, G replaced by T.
Genome position (GRCh38, 1-based): chr11:66,002,276, G>T. VCF-style: chr11-66002276-G-T. GRCh37 (hg19) VCF-style: chr11-65769747-G-T.
Identifiers: ClinVar variation 305398 (VCV000305398.7), dbSNP rs78790365, ClinGen allele CA10631230.